The following is an entry in ClinVar:

ClinVar aggregate classification (germline): Pathogenic (1 of 4 stars; one submission).

Allele frequency attached by ClinVar (database versions not stated): gnomAD exomes below 0.00001.

Submission:

Labcorp Genetics (formerly Invitae), Labcorp
Classification: Pathogenic. Last evaluated: 2021-11-30. Review status: criteria provided, single submitter. Criteria: Invitae Variant Classification Sherloc (09022015). Collection method: clinical testing. Allele origin: germline.
Comment: This sequence change creates a premature translational stop signal (p.Thr121Argfs*3) in the KCNV2 gene. It is expected to result in an absent or disrupted protein product. Loss-of-function variants in KCNV2 are known to be pathogenic (PMID: 16909397, 18235024). This variant is not present in population databases (gnomAD no frequency). This variant has not been reported in the literature in individuals affected with KCNV2-related conditions. Algorithms developed to predict the effect of sequence changes on RNA splicing suggest that this variant may create or strengthen a splice site. For these reasons, this variant has been classified as Pathogenic.

Literature cited by the submitters: PubMed 16909397; PubMed 18235024.

NM_133497.4(KCNV2):c.361del (p.Thr121fs)

Gene: KCNV2 (potassium voltage-gated channel modifier subfamily V member 2; plus strand). Cytogenetic location: 9p24.2.
Variant type: Deletion.
Coding change: c.361del on transcript NM_133497.4 (MANE Select); coding-DNA position 361, one base deleted (A; older notation c.361delA).
Protein change: p.Thr121fs; shifts the reading frame from threonine 121.
Molecular consequence: frameshift variant.
Genome position (GRCh38, 1-based): chr9:2,718,100, A deleted. VCF-style (leftmost placement, unchanged base first): chr9-2718099-GA-G. GRCh37 (hg19) VCF-style: chr9-2718099-GA-G.
Other names: short protein forms T121fs.
Identifiers: ClinVar variation 1358901 (VCV001358901.6), dbSNP rs2130860471, ClinGen allele CA2573143772.